The following is an entry in ClinVar:

NM_005027.4(PIK3R2):c.1992C>T (p.Asp664=)

Gene: PIK3R2 (phosphoinositide-3-kinase regulatory subunit 2; plus strand). Cytogenetic location: 19p13.11.
Variant type: single nucleotide variant.
Coding change: c.1992C>T on transcript NM_005027.4 (MANE Select); coding-DNA position 1992, C replaced by T.
Protein change: p.Asp664=; no amino-acid change (aspartic acid 664 retained).
Molecular consequence: synonymous variant. On other transcripts: non-coding transcript variant (2).
Genome position (GRCh38, 1-based): chr19:18,169,099, C>T. VCF-style: chr19-18169099-C-T. GRCh37 (hg19) VCF-style: chr19-18279909-C-T.
Identifiers: ClinVar variation 3035118 (VCV003035118.2), dbSNP rs2147960407, ClinGen allele CA506109172.

ClinVar aggregate classification (germline): Likely benign (0 of 4 stars; one submission).

Conditions:
PIK3R2-related disorder. Also called: PIK3R2-related condition.

Submission:

PreventionGenetics, part of Exact Sciences
Classification: Likely benign for PIK3R2-related condition. Last evaluated: 2019-08-13. Review status: no assertion criteria provided. Collection method: clinical testing. Allele origin: germline.
Comment: This variant is classified as likely benign based on ACMG/AMP sequence variant interpretation guidelines (Richards et al. 2015 PMID: 25741868, with internal and published modifications).